The following is an entry in ClinVar:

NM_001128164.2(ATXN1):c.2150C>T (p.Ala717Val)

Gene: ATXN1 (ataxin 1; minus strand). Cytogenetic location: 6p22.3.
Variant type: single nucleotide variant.
Coding change: c.2150C>T on transcript NM_001128164.2 (MANE Select); coding-DNA position 2150, C replaced by T.
Protein change: p.Ala717Val; replaces alanine 717 with valine.
Molecular consequence: missense variant. On other transcripts: 3 prime UTR variant (1).
Genome position (GRCh38, 1-based): chr6:16,306,627, G>A on the plus strand (C>T on the coding strand, the complement: ATXN1 is on the minus strand). VCF-style: chr6-16306627-G-A. GRCh37 (hg19) VCF-style: chr6-16306858-G-A.
Other names: c.2150C>T, p.Ala717Val (NM_000332.4); c.*1563C>T (NM_001357857.2); short protein forms A717V.
Identifiers: ClinVar variation 522259 (VCV000522259.16), dbSNP rs41267702, ClinGen allele CA3645167.

ClinVar aggregate classification (germline): Likely benign. Review status: criteria provided, multiple submitters, no conflicts (2 of 4 stars). 5 submissions from 5 submitters: Likely benign (5). Last evaluated 2025-03-01.

Conditions:
Spinocerebellar ataxia type 1 (SCA1). Also called: OLIVOPONTOCEREBELLAR ATROPHY I; OLIVOPONTOCEREBELLAR ATROPHY IV; CEREBELLOPARENCHYMAL DISORDER I; MENZEL TYPE OPCA; SCHUT-HAYMAKER TYPE OPCA; SPINOCEREBELLAR ATROPHY I. Identifiers: Orphanet 98755, MedGen C0752120, MONDO:0008119, OMIM 164400.

Allele frequency attached by ClinVar (database versions not stated): 1000 Genomes Project 30x 0.00172; 1000 Genomes Project 0.00180; ExAC 0.00246; gnomAD exomes 0.00274; gnomAD 0.00279 and 0.00285; TOPMed 0.00314; ESP Exome Variant Server 0.00331.
gnomAD v4.1: 6,960 of 1,614,222 alleles (0.43%); highest among the groups gnomAD compares: Non-Finnish European, 0.52%; 28 homozygotes.

Submissions (5):

CeGaT Center for Human Genetics Tuebingen
Classification: Likely benign. Last evaluated: 2025-03-01. Review status: criteria provided, single submitter. Criteria: CeGaT Center For Human Genetics Tuebingen Variant Classification Criteria Version 2. Collection method: clinical testing. Allele origin: germline. Affected: yes. Observed: 1 variant allele.
Comment: ATXN1: BP4, BS2

Blueprint Genetics
Classification: Likely benign. Last evaluated: 2024-11-23. Review status: criteria provided, single submitter. Criteria: ACMG Guidelines, 2015. Collection method: clinical testing. Allele origin: germline.

Institute for Genomic Medicine (IGM) Clinical Laboratory, Nationwide Children's Hospital
Classification: Likely benign. Last evaluated: 2017-10-30. Review status: criteria provided, single submitter. Criteria: ACMG Guidelines, 2015. Collection method: clinical testing. Allele origin: germline.
Comment: BS1, BP4; This alteration has an allele frequency that is greater than expected for the associated disease, and is predicted to be tolerated by multiple functional prediction tools.

Clinical Genetics DNA and cytogenetics Diagnostics Lab, Erasmus MC, Erasmus Medical Center
Classification: Likely benign for Spinocerebellar ataxia type 1. Last evaluated: 2017-07-31. Review status: criteria provided, single submitter. Criteria: ACGS Guidelines, 2013. Collection method: clinical testing. Allele origin: germline. Affected: yes. Study: VKGL Data-share Consensus.

Genome Diagnostics Laboratory, University Medical Center Utrecht
Classification: Likely benign for Spinocerebellar ataxia type 1. Last evaluated: 2017-07-28. Review status: criteria provided, single submitter. Criteria: ACGS Guidelines, 2013. Collection method: clinical testing. Allele origin: germline. Affected: yes. Study: VKGL Data-share Consensus.